The following is an entry in ClinVar:

NM_001354930.2(RIPK1):c.1701G>C (p.Glu567Asp)

Gene: RIPK1 (receptor interacting serine/threonine kinase 1; plus strand). Cytogenetic location: 6p25.2.
Variant type: single nucleotide variant.
Coding change: c.1701G>C on transcript NM_001354930.2 (MANE Select); coding-DNA position 1701, G replaced by C.
Protein change: p.Glu567Asp; replaces glutamic acid 567 with aspartic acid.
Molecular consequence: missense variant.
Genome position (GRCh38, 1-based): chr6:3,110,927, G>C. VCF-style: chr6-3110927-G-C. GRCh37 (hg19) VCF-style: chr6-3111161-G-C.
Other names: c.1212G>C, p.Glu404Asp (NM_001317061.3, NM_001354932.2, NM_001354933.2 and 1 more transcripts); c.1563G>C, p.Glu521Asp (NM_001354931.2); c.1701G>C, p.Glu567Asp (NM_003804.6); c.1701G>C (NM_003804.3); short protein forms E567D, E521D, E404D.
Identifiers: ClinVar variation 3006220 (VCV003006220.4), dbSNP rs375261444, ClinGen allele CA3618489.
Genomic context (GRCh38, chr6:3,110,927, plus strand): 5'-GGAGATTGGTGGGACGAGTTCATCACTACTAGACAGCACAAATACGAACTTCAAAGAAGA[G>C]CCAGCTGCTAAGTACCAAGCTATCTTTGGTAAGATACCCTGGAAGGACTCAACGCCTAGC-3'
Protein context (NP_001341859.1, residues 557-577): LDSTNTNFKE[Glu567Asp]PAAKYQAIFD

ClinVar aggregate classification (germline): Uncertain significance. Review status: criteria provided, multiple submitters, no conflicts (2 of 4 stars). 2 submissions from 2 submitters: Uncertain significance (2). Last evaluated 2025-07-15.

Conditions:
Inborn genetic diseases. Identifiers: MedGen C0950123, MeSH D030342.

Allele frequency attached by ClinVar (database versions not stated): gnomAD 0.00005; ExAC 0.00002; ESP Exome Variant Server 0.00008; gnomAD exomes below 0.00001; TOPMed 0.00005.

Submissions (2):

Ambry Genetics
Classification: Uncertain significance for Inborn genetic diseases. Last evaluated: 2025-07-15. Review status: criteria provided, single submitter. Criteria: Ambry Variant Classification Scheme 2023. Collection method: clinical testing. Allele origin: germline.

Labcorp Genetics (formerly Invitae), Labcorp
Classification: Uncertain significance. Last evaluated: 2025-06-02. Review status: criteria provided, single submitter. Criteria: Invitae Variant Classification Sherloc (09022015). Collection method: clinical testing. Allele origin: germline.
Comment: This sequence change replaces glutamic acid, which is acidic and polar, with aspartic acid, which is acidic and polar, at codon 567 of the RIPK1 protein (p.Glu567Asp). This variant is present in population databases (rs375261444, gnomAD 0.02%). This variant has not been reported in the literature in individuals affected with RIPK1-related conditions. ClinVar contains an entry for this variant (Variation ID: 3006220). An algorithm developed to predict the effect of missense changes on protein structure and function outputs the following: PolyPhen-2: "Benign". The aspartic acid amino acid residue is found in multiple mammalian species, which suggests that this missense change does not adversely affect protein function. In summary, the available evidence is currently insufficient to determine the role of this variant in disease. Therefore, it has been classified as a Variant of Uncertain Significance.